The following is an entry in ClinVar:

NM_018192.4(P3H2):c.647C>T (p.Ala216Val)

Gene: P3H2 (prolyl 3-hydroxylase 2; minus strand). Cytogenetic location: 3q28.
Variant type: single nucleotide variant.
Coding change: c.647C>T on transcript NM_018192.4 (MANE Select); coding-DNA position 647, C replaced by T.
Protein change: p.Ala216Val; replaces alanine 216 with valine.
Molecular consequence: missense variant.
Genome position (GRCh38, 1-based): chr3:189,994,270, G>A on the plus strand (C>T on the coding strand, the complement: P3H2 is on the minus strand). VCF-style: chr3-189994270-G-A. GRCh37 (hg19) VCF-style: chr3-189712059-G-A.
Other names: c.104C>T, p.Ala35Val (NM_001134418.2); short protein forms A216V, A35V.
Identifiers: ClinVar variation 1020859 (VCV001020859.4), dbSNP rs1723972613, ClinGen allele CA355759633.

ClinVar aggregate classification (germline): Uncertain significance (1 of 4 stars; one submission).

gnomAD v4.1: 4 of 1,610,074 alleles (0.00025%); highest among the groups gnomAD compares: Non-Finnish European, 0.00034%; no homozygotes.

Submission:

Labcorp Genetics (formerly Invitae), Labcorp
Classification: Uncertain significance. Last evaluated: 2022-02-24. Review status: criteria provided, single submitter. Criteria: Invitae Variant Classification Sherloc (09022015). Collection method: clinical testing. Allele origin: germline.
Comment: This variant has not been reported in the literature in individuals affected with P3H2-related conditions. ClinVar contains an entry for this variant (Variation ID: 1020859). Algorithms developed to predict the effect of missense changes on protein structure and function (SIFT, PolyPhen-2, Align-GVGD) all suggest that this variant is likely to be tolerated. Algorithms developed to predict the effect of sequence changes on RNA splicing suggest that this variant may create or strengthen a splice site. In summary, the available evidence is currently insufficient to determine the role of this variant in disease. Therefore, it has been classified as a Variant of Uncertain Significance. This variant is not present in population databases (gnomAD no frequency). This sequence change replaces alanine, which is neutral and non-polar, with valine, which is neutral and non-polar, at codon 216 of the P3H2 protein (p.Ala216Val).